The following is an entry in ClinVar:

NM_153704.6(TMEM67):c.1A>G (p.Met1Val)

Gene: TMEM67 (transmembrane protein 67; plus strand). Cytogenetic location: 8q22.1.
Variant type: single nucleotide variant.
Coding change: c.1A>G on transcript NM_153704.6 (MANE Select); coding-DNA position 1, A replaced by G.
Protein change: p.Met1Val; changes the start codon (methionine 1).
Molecular consequence: missense variant, initiator codon variant. On other transcripts: non-coding transcript variant (1), intron variant (1).
Genome position (GRCh38, 1-based): chr8:93,754,915, A>G. VCF-style: chr8-93754915-A-G. GRCh37 (hg19) VCF-style: chr8-94767143-A-G.
Other names: c.-180+6A>G (NM_001142301.1); c.1A>G (NM_153704.5); short protein forms M1V.
Identifiers: ClinVar variation 1403538 (VCV001403538.10), dbSNP rs772948173, ClinGen allele CA4807488.

ClinVar aggregate classification (germline): Conflicting classifications of pathogenicity. Review status: criteria provided, conflicting classifications (1 of 4 stars). 4 submissions from 4 submitters: Likely pathogenic (1); Uncertain significance (3). Last evaluated 2026-04-22.

Conditions:
Meckel syndrome, type 3 (MKS3). Also called: MECKEL-GRUBER SYNDROME, TYPE 3. Identifiers: Orphanet 564, MedGen C1846357, MONDO:0011821, OMIM 607361.
COACH syndrome 1. Identifiers: Orphanet 1454, MedGen C5435651, MONDO:0800103, OMIM 216360, MONDO:0008996.
Joubert syndrome 6 (JBTS6). Identifiers: Orphanet 475, MedGen C1853153, MONDO:0012539, OMIM 610688.
Bardet-Biedl syndrome 14 (BBS14). Identifiers: Orphanet 110, MedGen C2673874, MONDO:0014442, OMIM 615991.
RHYNS syndrome. Also called: RETINITIS PIGMENTOSA SYNDROME; RETINITIS PIGMENTOSA, HYPOPITUITARISM, NEPHRONOPHTHISIS, AND MILD SKELETAL DYSPLASIA. Identifiers: Orphanet 140976, MedGen C1865794, MONDO:0011202, OMIM 602152.
Nephronophthisis 11 (NPHP11). Identifiers: Orphanet 84081, MedGen C3150796, MONDO:0013302, OMIM 613550.
TMEM67-related disorder. Also called: TMEM67-related disorders; TMEM67-related condition. Identifiers: MedGen CN239423.
Joubert syndrome. Also called: Familial aplasia of the vermis; JOUBERT-BOLTSHAUSER SYNDROME. Identifiers: Orphanet 475, MedGen C5979921, MONDO:0018772.
Meckel-Gruber syndrome. Also called: Dysencephalia splachnocystica; GRUBER SYNDROME; DYSENCEPHALIA SPLANCHNOCYSTICA. Identifiers: Orphanet 564, MedGen C0265215, MONDO:0018921.

Allele frequency attached by ClinVar (database versions not stated): gnomAD exomes below 0.00001; ExAC 0.00001; gnomAD 0.00001.

Submissions (4):

PreventionGenetics, part of Exact Sciences
Classification: Uncertain significance for TMEM67-related condition. Last evaluated: 2026-04-22. Review status: criteria provided, single submitter. Criteria: ACMG Guidelines, 2015. Collection method: clinical testing. Allele origin: germline.
Comment: The TMEM67 c.1A>G variant is predicted to disrupt the translation initiation site (Start Loss). To our knowledge, this variant has not been reported in the literature. This variant is predicted to alter splicing based on available splicing prediction programs (SpliceAI, Jaganathan et al. 2019. PubMed ID: 30661751). However, the use of computer prediction programs is not equivalent to functional evidence. This variant is reported in 0.0054% of alleles in individuals of East Asian descent in gnomAD. Although we suspect that this variant may be pathogenic, at this time, the clinical significance of this variant is uncertain due to the absence of conclusive functional and genetic evidence.

Fulgent Genetics
Classification: Uncertain significance for COACH syndrome 1; RHYNS syndrome; Meckel syndrome, type 3; Joubert syndrome 6; Nephronophthisis 11; Bardet-Biedl syndrome 14. Last evaluated: 2024-05-20. Review status: criteria provided, single submitter. Criteria: ACMG Guidelines, 2015. Collection method: clinical testing. Allele origin: germline.

Labcorp Genetics (formerly Invitae), Labcorp
Classification: Uncertain significance for Joubert syndrome; Meckel-Gruber syndrome. Last evaluated: 2022-09-27. Review status: criteria provided, single submitter. Criteria: Invitae Variant Classification Sherloc (09022015). Collection method: clinical testing. Allele origin: germline.
Comment: This variant has not been reported in the literature in individuals affected with TMEM67-related conditions. This variant is present in population databases (rs772948173, gnomAD 0.006%). This sequence change affects the initiator methionine of the TMEM67 mRNA. The next in-frame methionine is located at codon 11. ClinVar contains an entry for this variant (Variation ID: 1403538). In summary, the available evidence is currently insufficient to determine the role of this variant in disease. Therefore, it has been classified as a Variant of Uncertain Significance. Experimental studies and prediction algorithms are not available or were not evaluated, and the functional significance of this variant is currently unknown.

Blueprint Genetics
Classification: Likely pathogenic for TMEM67-related disorders. Last evaluated: 2019-01-22. Review status: criteria provided, single submitter. Criteria: ACMG Guidelines, 2015. Collection method: clinical testing. Allele origin: germline. Affected: yes. Observed: 1 variant allele.